The following is an entry in ClinVar:

NM_006306.4(SMC1A):c.992G>T (p.Gly331Val)

Gene: SMC1A (structural maintenance of chromosomes 1A; minus strand). Cytogenetic location: Xp11.22.
Variant type: single nucleotide variant.
Coding change: c.992G>T on transcript NM_006306.4 (MANE Select); coding-DNA position 992, G replaced by T.
Protein change: p.Gly331Val; replaces glycine 331 with valine.
Molecular consequence: missense variant.
Genome position (GRCh38, 1-based): chrX:53,412,116, C>A on the plus strand (G>T on the coding strand, the complement: SMC1A is on the minus strand). VCF-style: chrX-53412116-C-A. GRCh37 (hg19) VCF-style: chrX-53439066-C-A.
Other names: c.926G>T, p.Gly309Val (NM_001281463.1); short protein forms G309V, G331V.
Identifiers: ClinVar variation 4755655 (VCV004755655.1).

ClinVar aggregate classification (germline): Uncertain significance (1 of 4 stars; one submission).

Submission:

GeneDx
Classification: Uncertain significance. Last evaluated: 2025-08-08. Review status: criteria provided, single submitter. Criteria: GeneDx Variant Classification Process June 2021. Collection method: clinical testing. Allele origin: germline. Affected: yes.
Comment: Not observed at significant frequency in large population cohorts (gnomAD); Missense variants in this gene are a common cause of disease and they are underrepresented in the general population; In silico analysis suggests that this missense variant does not alter protein structure/function; Has not been previously published as pathogenic or benign to our knowledge